The following is an entry in ClinVar:

ClinVar aggregate classification (germline): Uncertain significance. Review status: criteria provided, multiple submitters, no conflicts (2 of 4 stars). 2 submissions from 2 submitters: Uncertain significance (2). Last evaluated 2024-06-12.

Conditions:
Infantile-onset X-linked spinal muscular atrophy. Also called: AMC, DISTAL, X-LINKED; ARTHROGRYPOSIS, X-LINKED, TYPE I; SPINAL MUSCULAR ATROPHY, X-LINKED LETHAL INFANTILE; Spinal Muscular Atrophy, X-Linked Infantile; Spinal muscular atrophy, X-linked 2. Identifiers: Orphanet 1145, MedGen C1844934, MONDO:0010532, OMIM 301830.

Allele frequency attached by ClinVar (database versions not stated): gnomAD 0.00001 and 0.00002; gnomAD exomes 0.00001 and 0.00002; TOPMed 0.00001; ExAC 0.00006; 1000 Genomes Project 0.00026; 1000 Genomes Project 30x 0.00042.
gnomAD v4.1: 9 of 1,200,605 alleles (0.00075%); highest among the groups gnomAD compares: Admixed American, 0.0067%; no homozygotes.

Submissions (2):

GeneDx
Classification: Uncertain significance. Last evaluated: 2024-06-12. Review status: criteria provided, single submitter. Criteria: GeneDx Variant Classification Process June 2021. Collection method: clinical testing. Allele origin: germline. Affected: yes.
Comment: Missense variants in this gene are a common cause of disease and they are underrepresented in the general population; In silico analysis indicates that this missense variant does not alter protein structure/function; Has not been previously published as pathogenic or benign to our knowledge; This variant is associated with the following publications: (PMID: 26432019)

Illumina Laboratory Services, Illumina
Classification: Uncertain significance for Infantile-onset X-linked spinal muscular atrophy. Last evaluated: 2018-01-13. Review status: criteria provided, single submitter. Criteria: ICSL Variant Classification Criteria 13 December 2019. Collection method: clinical testing. Allele origin: germline.

NM_003334.4(UBA1):c.1034G>A (p.Arg345Gln)

Gene: UBA1 (ubiquitin like modifier activating enzyme 1; plus strand). Cytogenetic location: Xp11.3.
Variant type: single nucleotide variant.
Coding change: c.1034G>A on transcript NM_003334.4 (MANE Select); coding-DNA position 1034, G replaced by A.
Protein change: p.Arg345Gln; replaces arginine 345 with glutamine.
Molecular consequence: missense variant.
Genome position (GRCh38, 1-based): chrX:47,202,482, G>A. VCF-style: chrX-47202482-G-A. GRCh37 (hg19) VCF-style: chrX-47061881-G-A.
Other names: c.1034G>A, p.Arg345Gln (NM_153280.3); short protein forms R345Q.
Identifiers: ClinVar variation 912795 (VCV000912795.5), dbSNP rs199942374, ClinGen allele CA10395817.